The following is an entry in ClinVar:

NM_001378457.1(DMXL2):c.6403C>A (p.Gln2135Lys)

Gene: DMXL2 (Dmx like 2; minus strand). Cytogenetic location: 15q21.2.
Variant type: single nucleotide variant.
Coding change: c.6403C>A on transcript NM_001378457.1 (MANE Select); coding-DNA position 6403, C replaced by A.
Protein change: p.Gln2135Lys; replaces glutamine 2135 with lysine.
Molecular consequence: missense variant. On other transcripts: non-coding transcript variant (2).
Genome position (GRCh38, 1-based): chr15:51,480,703, G>T on the plus strand (C>A on the coding strand, the complement: DMXL2 is on the minus strand). VCF-style: chr15-51480703-G-T. GRCh37 (hg19) VCF-style: chr15-51772900-G-T.
Other names: c.6403C>A, p.Gln2135Lys (NM_001378463.1, NM_015263.5, NM_001174116.3 and 4 more transcripts); c.6163C>A, p.Gln2055Lys (NM_001378464.1); c.6403C>A (NM_001174116.1); c.4495C>A, p.Gln1499Lys (NM_001174117.3); c.4384C>A, p.Gln1462Lys (NM_001378460.1); short protein forms Q1462K, Q1499K, Q2055K, Q2135K.
Identifiers: ClinVar variation 3605897 (VCV003605897.3).

ClinVar aggregate classification (germline): Uncertain significance. Review status: criteria provided, multiple submitters, no conflicts (2 of 4 stars). 2 submissions from 2 submitters: Uncertain significance (2). Last evaluated 2025-07-23.

Conditions:
Inborn genetic diseases. Identifiers: MedGen C0950123, MeSH D030342.

gnomAD v4.1: 21 of 1,610,118 alleles (0.0013%); highest among the groups gnomAD compares: Non-Finnish European, 0.0015%; no homozygotes.

Submissions (2):

Labcorp Genetics (formerly Invitae), Labcorp
Classification: Uncertain significance. Last evaluated: 2025-07-23. Review status: criteria provided, single submitter. Criteria: Invitae Variant Classification Sherloc (09022015). Collection method: clinical testing. Allele origin: germline.
Comment: This sequence change replaces glutamine, which is neutral and polar, with lysine, which is basic and polar, at codon 2135 of the DMXL2 protein (p.Gln2135Lys). This variant is present in population databases (rs751807312, gnomAD 0.004%). This variant has not been reported in the literature in individuals affected with DMXL2-related conditions. ClinVar contains an entry for this variant (Variation ID: 3605897). An algorithm developed to predict the effect of missense changes on protein structure and function (PolyPhen-2) suggests that this variant is likely to be tolerated. In summary, the available evidence is currently insufficient to determine the role of this variant in disease. Therefore, it has been classified as a Variant of Uncertain Significance.

Ambry Genetics
Classification: Uncertain significance for Inborn genetic diseases. Last evaluated: 2025-05-20. Review status: criteria provided, single submitter. Criteria: Ambry Variant Classification Scheme 2023. Collection method: clinical testing. Allele origin: germline.